The following is an entry in ClinVar:

NM_003076.5(SMARCD1):c.1105G>C (p.Glu369Gln)

Gene: SMARCD1 (SWI/SNF related BAF chromatin remodeling complex subunit D1; plus strand). Cytogenetic location: 12q13.12.
Variant type: single nucleotide variant.
Coding change: c.1105G>C on transcript NM_003076.5 (MANE Select); coding-DNA position 1105, G replaced by C.
Protein change: p.Glu369Gln; replaces glutamic acid 369 with glutamine.
Molecular consequence: missense variant.
Genome position (GRCh38, 1-based): chr12:50,090,562, G>C. VCF-style: chr12-50090562-G-C. GRCh37 (hg19) VCF-style: chr12-50484345-G-C.
Other names: c.1105G>C, p.Glu369Gln (NM_139071.3); short protein forms E369Q.
Identifiers: ClinVar variation 5037398 (VCV005037398.1).

ClinVar aggregate classification (germline): Uncertain significance (1 of 4 stars; one submission).

Submission:

GeneDx
Classification: Uncertain significance. Last evaluated: 2026-04-17. Review status: criteria provided, single submitter. Criteria: GeneDx Variant Classification Process June 2021. Collection method: clinical testing. Allele origin: germline.
Comment: Not observed at significant frequency in large population cohorts (gnomAD); In silico analysis suggests that this missense variant does not alter protein structure/function; Has not been previously published as pathogenic or benign to our knowledge